The following is an entry in ClinVar:

NM_002578.5(PAK3):c.80C>G (p.Ala27Gly)

Gene: PAK3 (p21 (RAC1) activated kinase 3; plus strand). Cytogenetic location: Xq23.
Variant type: single nucleotide variant.
Coding change: c.80C>G on transcript NM_002578.5 (MANE Select); coding-DNA position 80, C replaced by G.
Protein change: p.Ala27Gly; replaces alanine 27 with glycine.
Molecular consequence: missense variant. On other transcripts: non-coding transcript variant (9).
Genome position (GRCh38, 1-based): chrX:111,123,183, C>G. VCF-style: chrX-111123183-C-G. GRCh37 (hg19) VCF-style: chrX-110366411-C-G.
Other names: c.80C>G, p.Ala27Gly (NM_001128166.3, NM_001128167.3, NM_001128168.3 and 12 more transcripts); short protein forms A27G.
Identifiers: ClinVar variation 3572850 (VCV003572850.1).

ClinVar aggregate classification (germline): Uncertain significance (1 of 4 stars; one submission).

gnomAD v4.1: 1 of 1,198,552 alleles (0.000083%); highest among the groups gnomAD compares: African/African-American, 0.0018%; no homozygotes.

Submission:

GeneDx
Classification: Uncertain significance. Last evaluated: 2024-07-13. Review status: criteria provided, single submitter. Criteria: GeneDx Variant Classification Process June 2021. Collection method: clinical testing. Allele origin: germline. Affected: yes.
Comment: Not observed at significant frequency in large population cohorts (gnomAD); In silico analysis indicates that this missense variant does not alter protein structure/function; Has not been previously published as pathogenic or benign to our knowledge